The following is an entry in ClinVar:

NM_198253.3(TERT):c.271C>T (p.Arg91Cys)

Gene: TERT (telomerase reverse transcriptase; minus strand). Cytogenetic location: 5p15.33.
Variant type: single nucleotide variant.
Coding change: c.271C>T on transcript NM_198253.3 (MANE Select); coding-DNA position 271, C replaced by T.
Protein change: p.Arg91Cys; replaces arginine 91 with cysteine.
Molecular consequence: missense variant. On other transcripts: non-coding transcript variant (2).
Genome position (GRCh38, 1-based): chr5:1,294,615, G>A on the plus strand (C>T on the coding strand, the complement: TERT is on the minus strand). VCF-style: chr5-1294615-G-A. GRCh37 (hg19) VCF-style: chr5-1294730-G-A.
Other names: c.271C>T, p.Arg91Cys (NM_001193376.3); short protein forms R91C.
Identifiers: ClinVar variation 857466 (VCV000857466.10), dbSNP rs1751268783, ClinGen allele CA359058573.

ClinVar aggregate classification (germline): Uncertain significance (1 of 4 stars; one submission).

Conditions:
Dyskeratosis congenita, autosomal dominant 2. Identifiers: MedGen C3151443, MONDO:0013521, OMIM 613989.
Idiopathic Pulmonary Fibrosis. Also called: Idiopathic fibrosing alveolitis, chronic form; idiopathic fibrosing alveolitis. Identifiers: Orphanet 2032, MedGen C1800706, MeSH D054990, MONDO:0800504.

Allele frequency attached by ClinVar (database versions not stated): gnomAD exomes below 0.00001.
gnomAD v4.1: 1 of 1,595,778 alleles (0.000063%); highest among the groups gnomAD compares: Non-Finnish European, 0.000085%; no homozygotes.

Submission:

Labcorp Genetics (formerly Invitae), Labcorp
Classification: Uncertain significance for Dyskeratosis congenita, autosomal dominant 2; Idiopathic Pulmonary Fibrosis. Last evaluated: 2019-02-14. Review status: criteria provided, single submitter. Criteria: Invitae Variant Classification Sherloc (09022015). Collection method: clinical testing. Allele origin: germline.
Comment: This sequence change replaces arginine with cysteine at codon 91 of the TERT protein (p.Arg91Cys). The arginine residue is weakly conserved and there is a large physicochemical difference between arginine and cysteine. This variant is not present in population databases (ExAC no frequency). This variant has not been reported in the literature in individuals with TERT-related conditions. Algorithms developed to predict the effect of missense changes on protein structure and function are either unavailable or do not agree on the potential impact of this missense change (SIFT: "Deleterious"; PolyPhen-2: "Probably Damaging"; Align-GVGD: "Class C0"). Algorithms developed to predict the effect of sequence changes on RNA splicing suggest that this variant may create or strengthen a splice site, but this prediction has not been confirmed by published transcriptional studies. In summary, the available evidence is currently insufficient to determine the role of this variant in disease. Therefore, it has been classified as a Variant of Uncertain Significance.